The following is an entry in ClinVar:

NM_002439.5(MSH3):c.2018T>G (p.Leu673Ter)

Gene: MSH3 (mutS homolog 3; plus strand). Cytogenetic location: 5q14.1.
Variant type: single nucleotide variant.
Coding change: c.2018T>G on transcript NM_002439.5 (MANE Select); coding-DNA position 2018, T replaced by G.
Protein change: p.Leu673Ter; replaces leucine 673 with a stop codon.
Molecular consequence: nonsense.
Genome position (GRCh38, 1-based): chr5:80,768,054, T>G. VCF-style: chr5-80768054-T-G. GRCh37 (hg19) VCF-style: chr5-80063873-T-G.
Other names: short protein forms L673*.
Identifiers: ClinVar variation 2673551 (VCV002673551.1), dbSNP rs2546773676, ClinGen allele CA360277762.

ClinVar aggregate classification (germline): Pathogenic (1 of 4 stars; one submission).

Conditions:
Familial adenomatous polyposis 4 (FAP4). Also called: MSH3-related attenuated familial adenomatous polyposis. Identifiers: Orphanet 480536, MedGen C4310719, MONDO:0044300, OMIM 617100.

Submission:

Myriad Genetics, Inc.
Classification: Pathogenic for Familial adenomatous polyposis 4. Last evaluated: 2023-08-30. Review status: criteria provided, single submitter. Criteria: Myriad Autosomal Dominant, Autosomal Recessive and X-Linked Classification Criteria (2023). Collection method: clinical testing. Allele origin: unknown.
Comment: This variant is considered pathogenic. This variant creates a termination codon and is predicted to result in premature protein truncation.